The following is an entry in ClinVar:

NM_001278064.2(GRM1):c.3495C>A (p.Pro1165=)

Gene: GRM1 (glutamate metabotropic receptor 1; plus strand). Cytogenetic location: 6q24.3.
Variant type: single nucleotide variant.
Coding change: c.3495C>A on transcript NM_001278064.2 (MANE Select); coding-DNA position 3495, C replaced by A.
Protein change: p.Pro1165=; no amino-acid change (proline 1165 retained).
Molecular consequence: synonymous variant. On other transcripts: 3 prime UTR variant (3).
Genome position (GRCh38, 1-based): chr6:146,434,706, C>A. VCF-style: chr6-146434706-C-A. GRCh37 (hg19) VCF-style: chr6-146755842-C-A.
Other names: p.Pro1165=; c.*859C>A (NM_001278065.2); c.*824C>A (NM_001278066.1); c.*733C>A (NM_001278067.1).
Identifiers: ClinVar variation 129213 (VCV000129213.17), dbSNP rs9373491, ClinGen allele CA153062.

ClinVar aggregate classification (germline): Benign. Review status: criteria provided, multiple submitters, no conflicts (2 of 4 stars). 10 submissions from 9 submitters: Benign (7). 3 of the submissions do not count toward it. Last evaluated 2026-02-03.

Conditions:
Spinocerebellar ataxia 44. Identifiers: Orphanet 631095, MedGen C4521563, MONDO:0033479, OMIM 617691.
Autosomal recessive spinocerebellar ataxia 13. Identifiers: Orphanet 324262, MedGen C3553816, MONDO:0013905, OMIM 614831.

Allele frequency attached by ClinVar (database versions not stated): gnomAD 0.55222; TOPMed 0.56304; ESP Exome Variant Server 0.58232; 1000 Genomes Project 0.59265; 1000 Genomes Project 30x 0.59322.
gnomAD v4.1: 847,637 of 1,602,804 alleles (53%); highest among the groups gnomAD compares: African/African-American, 67%; 226,687 homozygotes.

Submissions (10):

Labcorp Genetics (formerly Invitae), Labcorp
Classification: Benign. Last evaluated: 2026-02-03. Review status: criteria provided, single submitter. Criteria: Invitae Variant Classification Sherloc (09022015). Collection method: clinical testing. Allele origin: germline.

Blueprint Genetics
Classification: Benign. Last evaluated: 2024-11-27. Review status: criteria provided, single submitter. Criteria: ACMG Guidelines, 2015. Collection method: clinical testing. Allele origin: germline.

Mayo Clinic Laboratories, Mayo Clinic
Classification: Benign. Last evaluated: 2022-03-24. Review status: criteria provided, single submitter. Criteria: ACMG Guidelines, 2015. Collection method: clinical testing. Allele origin: germline. Observed: 375 variant alleles.

Genome-Nilou Lab
Classification: Benign for Spinocerebellar ataxia 44. Last evaluated: 2021-08-10. Review status: criteria provided, single submitter. Criteria: ACMG Guidelines, 2015. Collection method: clinical testing. Allele origin: germline. Affected: no.

Genome-Nilou Lab
Classification: Benign for Autosomal recessive spinocerebellar ataxia 13. Last evaluated: 2021-08-10. Review status: criteria provided, single submitter. Criteria: ACMG Guidelines, 2015. Collection method: clinical testing. Allele origin: germline. Affected: no.

GeneDx
Classification: Benign. Last evaluated: 2019-08-09. Review status: criteria provided, single submitter. Criteria: GeneDx Variant Classification Process June 2021. Collection method: clinical testing. Allele origin: germline. Affected: yes.

Athena Diagnostics
Classification: Benign. Last evaluated: 2019-07-15. Review status: criteria provided, single submitter. Criteria: Athena Diagnostics Criteria. Collection method: clinical testing. Allele origin: germline.

Clinical Genetics DNA and cytogenetics Diagnostics Lab, Erasmus MC, Erasmus Medical Center
Classification: Benign. Review status: no assertion criteria provided. Collection method: clinical testing. Allele origin: germline. Affected: yes. Study: VKGL Data-share Consensus. Not counted in ClinVar's aggregate classification.

Diagnostic Laboratory, Department of Genetics, University Medical Center Groningen
Classification: Benign for Autosomal recessive spinocerebellar ataxia 13. Review status: no assertion criteria provided. Collection method: clinical testing. Allele origin: germline. Affected: yes. Study: VKGL Data-share Consensus. Not counted in ClinVar's aggregate classification.

Genetic Services Laboratory, University of Chicago
Classification: Likely benign for AllHighlyPenetrant. Review status: no assertion criteria provided. Collection method: clinical testing. Allele origin: germline. Inheritance: Autosomal recessive inheritance. Not counted in ClinVar's aggregate classification.
Comment: Likely benign based on allele frequency in 1000 Genomes Project or ESP global frequency and its presence in a patient with a rare or unrelated disease phenotype. NOT Sanger confirmed.